The following is an entry in ClinVar:

ClinVar aggregate classification (germline): Uncertain significance (1 of 4 stars; one submission).

Submission:

CeGaT Center for Human Genetics Tuebingen
Classification: Uncertain significance. Last evaluated: 2023-05-01. Review status: criteria provided, single submitter. Criteria: CeGaT Center For Human Genetics Tuebingen Variant Classification Criteria Version 2. Collection method: clinical testing. Allele origin: germline. Affected: yes. Observed: 1 variant allele.
Comment: ABCB4: PM2

NM_000443.4(ABCB4):c.620T>C (p.Ile207Thr)

Gene: ABCB4 (ATP binding cassette subfamily B member 4; minus strand). Cytogenetic location: 7q21.12.
Variant type: single nucleotide variant.
Coding change: c.620T>C on transcript NM_000443.4 (MANE Select); coding-DNA position 620, T replaced by C.
Protein change: p.Ile207Thr; replaces isoleucine 207 with threonine.
Molecular consequence: missense variant.
Genome position (GRCh38, 1-based): chr7:87,451,711, A>G on the plus strand (T>C on the coding strand, the complement: ABCB4 is on the minus strand). VCF-style: chr7-87451711-A-G. GRCh37 (hg19) VCF-style: chr7-87081027-A-G.
Other names: c.620T>C, p.Ile207Thr (NM_018849.3, NM_018850.3); short protein forms I207T.
Identifiers: ClinVar variation 1695194 (VCV001695194.31), dbSNP rs2116802789, ClinGen allele CA368051680.
Genomic context (GRCh38, chr7:87,451,711, plus strand): 5'-AGAATAGGGCTGATGGCCATTATCACAAGGGTGAGCTTCCATCCTCTGATGAATCCCACT[A>G]TGAATCCTGCAAAAAACGTGGCTACTGCTTGAAAGAACATTCCAACCTTGTCACCAATTC-3'
Protein context (NP_000434.1, residues 197-217): QAVATFFAGF[Ile207Thr]VGFIRGWKLT